The following is an entry in ClinVar:

Conditions:
Long QT syndrome 5 (LQT5). Identifiers: Orphanet 101016, Orphanet 768, MedGen C1867904, MONDO:0013372, OMIM 613695.

Submission:

Roden Lab, Vanderbilt University Medical Center
No classification provided (evidence only). Condition: Long QT syndrome 5. Review status: no classification provided. Collection method: in vitro. Allele origin: not applicable. Functional consequence: Effect on ion channel function.
ClinVar note: "not provided" was previously submitted as the classification for the variant. However, the classification appeared to be based only on an observation of functional data so it was converted to no classification on 2025-07-30.

NM_000219.6(KCNE1):c.89T>G (p.Leu30Arg)

Gene: KCNE1 (potassium voltage-gated channel subfamily E regulatory subunit 1; minus strand). Cytogenetic location: 21q22.12.
Variant type: single nucleotide variant.
Coding change: c.89T>G on transcript NM_000219.6 (MANE Select); coding-DNA position 89, T replaced by G.
Protein change: p.Leu30Arg; replaces leucine 30 with arginine.
Molecular consequence: missense variant.
Genome position (GRCh38, 1-based): chr21:34,449,546, A>C on the plus strand (T>G on the coding strand, the complement: KCNE1 is on the minus strand). VCF-style: chr21-34449546-A-C. GRCh37 (hg19) VCF-style: chr21-35821844-A-C.
Other names: c.89T>G, p.Leu30Arg (NM_001127668.4, NM_001127669.4, NM_001127670.4 and 4 more transcripts); short protein forms L30R.
Identifiers: ClinVar variation 3374019 (VCV003374019.2).